The following is an entry in ClinVar:

NM_001220.5(CAMK2B):c.1364A>G (p.Asn455Ser)

Gene: CAMK2B (calcium/calmodulin dependent protein kinase II beta; minus strand). Cytogenetic location: 7p13.
Variant type: single nucleotide variant.
Coding change: c.1364A>G on transcript NM_001220.5 (MANE Select); coding-DNA position 1364, A replaced by G.
Protein change: p.Asn455Ser; replaces asparagine 455 with serine.
Molecular consequence: missense variant. On other transcripts: intron variant (8).
Genome position (GRCh38, 1-based): chr7:44,228,900, T>C on the plus strand (A>G on the coding strand, the complement: CAMK2B is on the minus strand). VCF-style: chr7-44228900-T-C. GRCh37 (hg19) VCF-style: chr7-44268499-T-C.
Other names: c.947-7999A>G (NM_172084.3); c.1150+2106A>G (NM_172080.3); c.1036+2106A>G (NM_172083.3); c.1108+2106A>G (NM_172081.3); c.1153+2106A>G (NM_172079.3, NM_172082.3); c.1225+2106A>G (NM_001293170.2, NM_172078.3); short protein forms N455S.
Identifiers: ClinVar variation 1364112 (VCV001364112.8), dbSNP rs781445599, ClinGen allele CA4240335.

ClinVar aggregate classification (germline): Uncertain significance (1 of 4 stars; one submission).

Allele frequency attached by ClinVar (database versions not stated): ExAC 0.00001; gnomAD exomes 0.00001; 1000 Genomes Project 30x 0.00016.

Submission:

Labcorp Genetics (formerly Invitae), Labcorp
Classification: Uncertain significance. Last evaluated: 2025-09-30. Review status: criteria provided, single submitter. Criteria: Invitae Variant Classification Sherloc (09022015). Collection method: clinical testing. Allele origin: germline.
Comment: This sequence change replaces asparagine, which is neutral and polar, with serine, which is neutral and polar, at codon 455 of the CAMK2B protein (p.Asn455Ser). The frequency data for this variant in the population databases is considered unreliable, as metrics indicate poor data quality at this position in the gnomAD database. This variant has not been reported in the literature in individuals affected with CAMK2B-related conditions. ClinVar contains an entry for this variant (Variation ID: 1364112). An algorithm developed to predict the effect of missense changes on protein structure and function outputs the following: PolyPhen-2: "Benign". The serine amino acid residue is found in multiple mammalian species, which suggests that this missense change does not adversely affect protein function. In summary, the available evidence is currently insufficient to determine the role of this variant in disease. Therefore, it has been classified as a Variant of Uncertain Significance.